The following is an entry in ClinVar:

NM_170601.5(SIAE):c.341A>G (p.Asp114Gly)

Gene: SIAE (sialic acid acetylesterase; minus strand). Cytogenetic location: 11q24.2.
Variant type: single nucleotide variant.
Coding change: c.341A>G on transcript NM_170601.5 (MANE Select); coding-DNA position 341, A replaced by G.
Protein change: p.Asp114Gly; replaces aspartic acid 114 with glycine.
Molecular consequence: missense variant.
Genome position (GRCh38, 1-based): chr11:124,660,692, T>C on the plus strand (A>G on the coding strand, the complement: SIAE is on the minus strand). VCF-style: chr11-124660692-T-C. GRCh37 (hg19) VCF-style: chr11-124530588-T-C.
Other names: c.236A>G, p.Asp79Gly (NM_001199922.2); short protein forms D79G, D114G.
Identifiers: ClinVar variation 4717490 (VCV004717490.1).

ClinVar aggregate classification (germline): Uncertain significance (1 of 4 stars; one submission).

Submission:

Labcorp Genetics (formerly Invitae), Labcorp
Classification: Uncertain significance. Last evaluated: 2025-12-21. Review status: criteria provided, single submitter. Criteria: Invitae Variant Classification Sherloc (09022015). Collection method: clinical testing. Allele origin: germline.
Comment: This sequence change replaces aspartic acid, which is acidic and polar, with glycine, which is neutral and non-polar, at codon 114 of the SIAE protein (p.Asp114Gly). This variant is present in population databases (no rsID available, gnomAD 0.007%). This variant has not been reported in the literature in individuals affected with SIAE-related conditions. An algorithm developed to predict the effect of missense changes on protein structure and function (PolyPhen-2) suggests that this variant is likely to be tolerated. In summary, the available evidence is currently insufficient to determine the role of this variant in disease. Therefore, it has been classified as a Variant of Uncertain Significance.